The following is an entry in ClinVar:

NM_015272.5(RPGRIP1L):c.839A>G (p.Asn280Ser)

Gene: RPGRIP1L (RPGRIP1 like; minus strand). Cytogenetic location: 16q12.2.
Variant type: single nucleotide variant.
Coding change: c.839A>G on transcript NM_015272.5 (MANE Select); coding-DNA position 839, A replaced by G.
Protein change: p.Asn280Ser; replaces asparagine 280 with serine.
Molecular consequence: missense variant.
Genome position (GRCh38, 1-based): chr16:53,675,060, T>C on the plus strand (A>G on the coding strand, the complement: RPGRIP1L is on the minus strand). VCF-style: chr16-53675060-T-C. GRCh37 (hg19) VCF-style: chr16-53708972-T-C.
Other names: c.839A>G, p.Asn280Ser (NM_001127897.4, NM_001308334.3, NM_001330538.2); short protein forms N280S.
Identifiers: ClinVar variation 3353948 (VCV003353948.2).

ClinVar aggregate classification (germline): Uncertain significance (1 of 4 stars; one submission).

Conditions:
RPGRIP1L-related disorder. Also called: RPGRIP1L-related disorders; RPGRIP1L-related condition. Identifiers: MedGen CN239416.

gnomAD v4.1: 6 of 1,611,458 alleles (0.00037%); highest among the groups gnomAD compares: Non-Finnish European, 0.00051%; no homozygotes.

Submission:

PreventionGenetics, part of Exact Sciences
Classification: Uncertain significance for RPGRIP1L-related condition. Last evaluated: 2026-09-09. Review status: criteria provided, single submitter. Criteria: ACMG Guidelines, 2015. Collection method: clinical testing. Allele origin: germline.
Comment: The RPGRIP1L c.839A>G variant is predicted to result in the amino acid substitution p.Asn280Ser. To our knowledge, this variant has not been reported in the literature. This variant is reported in 0.0016% of alleles in individuals of European (Non-Finnish) descent in gnomAD. At this time, the clinical significance of this variant is uncertain due to the absence of conclusive functional and genetic evidence.